The following is an entry in ClinVar:

ClinVar aggregate classification (germline): Uncertain significance. Review status: criteria provided, multiple submitters, no conflicts (2 of 4 stars). 2 submissions from 2 submitters: Uncertain significance (2). Last evaluated 2023-07-03.

Conditions:
Ehlers-Danlos syndrome, classic type, 1 (EDSCL1). Also called: EHLERS-DANLOS SYNDROME, GRAVIS TYPE; EHLERS-DANLOS SYNDROME, SEVERE CLASSIC TYPE; Ehlers-Danlos syndrome, type 1; Ehlers-Danlos Syndrome, Classic Type, COL5A1-Related; EDS I. Identifiers: MedGen C0268335, MONDO:0019567, OMIM 130000.
COL5A1-related disorder. Also called: COL5A1-related condition.

Submissions (2):

PreventionGenetics, part of Exact Sciences
Classification: Uncertain significance for COL5A1-related condition. Last evaluated: 2023-07-03. Review status: criteria provided, single submitter. Criteria: ACMG Guidelines, 2015. Collection method: clinical testing. Allele origin: germline.
Comment: The COL5A1 c.4751G>C variant is predicted to result in the amino acid substitution p.Arg1584Pro. To our knowledge, this variant has not been reported in the literature or in a large population database, indicating this variant is rare. At this time, the clinical significance of this variant is uncertain due to the absence of conclusive functional and genetic evidence.

Labcorp Genetics (formerly Invitae), Labcorp
Classification: Uncertain significance for Ehlers-Danlos syndrome, classic type, 1. Last evaluated: 2022-12-22. Review status: criteria provided, single submitter. Criteria: Invitae Variant Classification Sherloc (09022015). Collection method: clinical testing. Allele origin: germline.
Comment: This variant has not been reported in the literature in individuals affected with COL5A1-related conditions. In summary, the available evidence is currently insufficient to determine the role of this variant in disease. Therefore, it has been classified as a Variant of Uncertain Significance. Advanced modeling of protein sequence and biophysical properties (such as structural, functional, and spatial information, amino acid conservation, physicochemical variation, residue mobility, and thermodynamic stability) performed at Invitae indicates that this missense variant is not expected to disrupt COL5A1 protein function. This variant is not present in population databases (gnomAD no frequency). This sequence change replaces arginine, which is basic and polar, with proline, which is neutral and non-polar, at codon 1584 of the COL5A1 protein (p.Arg1584Pro).

NM_000093.5(COL5A1):c.4751G>C (p.Arg1584Pro)

Genes: COL5A1 (collagen type V alpha 1 chain; plus strand), LOC101448202 (uncharacterized LOC101448202; minus strand). Cytogenetic location: 9q34.3.
Variant type: single nucleotide variant.
Coding change: c.4751G>C on transcript NM_000093.5 (MANE Select); coding-DNA position 4751, G replaced by C.
Protein change: p.Arg1584Pro; replaces arginine 1584 with proline.
Molecular consequence: missense variant.
Genome position (GRCh38, 1-based): chr9:134,824,652, G>C. VCF-style: chr9-134824652-G-C. GRCh37 (hg19) VCF-style: chr9-137716498-G-C.
Other names: c.4751G>C, p.Arg1584Pro (NM_001278074.1); short protein forms R1584P.
Identifiers: ClinVar variation 2631774 (VCV002631774.4), dbSNP rs369501428, ClinGen allele CA375458372.